The following is an entry in ClinVar:

NM_017780.4(CHD7):c.3044T>C (p.Ile1015Thr)

Gene: CHD7 (chromodomain helicase DNA binding protein 7; plus strand). Cytogenetic location: 8q12.2.
Variant type: single nucleotide variant.
Coding change: c.3044T>C on transcript NM_017780.4 (MANE Select); coding-DNA position 3044, T replaced by C.
Protein change: p.Ile1015Thr; replaces isoleucine 1015 with threonine.
Molecular consequence: missense variant. On other transcripts: intron variant (1).
Genome position (GRCh38, 1-based): chr8:60,822,589, T>C. VCF-style: chr8-60822589-T-C. GRCh37 (hg19) VCF-style: chr8-61735148-T-C.
Other names: c.1717-39640T>C (NM_001316690.1); c.3044T>C (NM_017780.2); short protein forms I1015T.
Identifiers: ClinVar variation 1022848 (VCV001022848.9), dbSNP rs1374888110, ClinGen allele CA371309489.

ClinVar aggregate classification (germline): Uncertain significance. Review status: criteria provided, multiple submitters, no conflicts (2 of 4 stars). 2 submissions from 2 submitters: Uncertain significance (2). Last evaluated 2025-08-04.

Conditions:
CHARGE syndrome (CHARGE). Also called: Hittner Hirsch Kreh syndrome; Coloboma, heart anomaly, choanal atresia, retardation, genital and ear anomalies; CHARGE association; Hall-Hittner syndrome; CHARGE ASSOCIATION--COLOBOMA, HEART ANOMALY, CHOANAL ATRESIA, RETARDATION, GENITAL AND EAR ANOMALIES. Identifiers: Orphanet 138, MedGen C0265354, MONDO:0008965.

Allele frequency attached by ClinVar (database versions not stated): gnomAD exomes below 0.00001; gnomAD 0.00002; TOPMed 0.00002.
gnomAD v4.1: 8 of 1,613,744 alleles (0.0005%); highest among the groups gnomAD compares: Non-Finnish European, 0.00068%; no homozygotes.

Submissions (2):

GeneDx
Classification: Uncertain significance. Last evaluated: 2025-08-04. Review status: criteria provided, single submitter. Criteria: GeneDx Variant Classification Process June 2021. Collection method: clinical testing. Allele origin: germline. Affected: yes.
Comment: In silico analysis supports that this missense variant has a deleterious effect on protein structure/function; Has not been previously published as pathogenic or benign to our knowledge

Labcorp Genetics (formerly Invitae), Labcorp
Classification: Uncertain significance for CHARGE syndrome. Last evaluated: 2022-06-27. Review status: criteria provided, single submitter. Criteria: Invitae Variant Classification Sherloc (09022015). Collection method: clinical testing. Allele origin: germline.
Comment: In summary, the available evidence is currently insufficient to determine the role of this variant in disease. Therefore, it has been classified as a Variant of Uncertain Significance. Advanced modeling of protein sequence and biophysical properties (such as structural, functional, and spatial information, amino acid conservation, physicochemical variation, residue mobility, and thermodynamic stability) performed at Invitae indicates that this missense variant is expected to disrupt CHD7 protein function. This sequence change replaces isoleucine, which is neutral and non-polar, with threonine, which is neutral and polar, at codon 1015 of the CHD7 protein (p.Ile1015Thr). This variant is not present in population databases (gnomAD no frequency). This variant has not been reported in the literature in individuals affected with CHD7-related conditions. This missense change has been observed in at least one individual who was not affected with CHD7-related conditions (Invitae). ClinVar contains an entry for this variant (Variation ID: 1022848).